The following is an entry in ClinVar:

ClinVar aggregate classification (germline): Benign. Review status: criteria provided, multiple submitters, no conflicts (2 of 4 stars). 11 submissions from 11 submitters: Benign (9). 2 of the submissions do not count toward it. Last evaluated 2026-02-04.

Conditions:
Hennekam lymphangiectasia-lymphedema syndrome 1 (HKLLS1). Also called: LYMPHATIC DYSPLASIA, GENERALIZED. Identifiers: Orphanet 2136, MedGen C4012050, MONDO:0009337, OMIM 235510.

Allele frequency attached by ClinVar (database versions not stated): gnomAD exomes 0.52661 and 0.55199; ExAC 0.53108; 1000 Genomes Project 0.54093; 1000 Genomes Project 30x 0.54716; gnomAD 0.59110 and 0.59779; TOPMed 0.59983; ESP Exome Variant Server 0.61049.
gnomAD v4.1: 896,605 of 1,613,712 alleles (56%); highest among the groups gnomAD compares: African/African-American, 72%; 252,127 homozygotes.

Submissions (11):

Labcorp Genetics (formerly Invitae), Labcorp
Classification: Benign. Last evaluated: 2026-02-04. Review status: criteria provided, single submitter. Criteria: Invitae Variant Classification Sherloc (09022015). Collection method: clinical testing. Allele origin: germline.

Blueprint Genetics
Classification: Benign. Last evaluated: 2024-11-28. Review status: criteria provided, single submitter. Criteria: ACMG Guidelines, 2015. Collection method: clinical testing. Allele origin: germline.

Unidad de Genómica Garrahan, Hospital de Pediatría Garrahan
Classification: Benign. Last evaluated: 2024-01-24. Review status: criteria provided, single submitter. Criteria: ACMG Guidelines, 2015. Collection method: clinical testing. Allele origin: germline. Affected: no. Observed: 73 variant alleles.
Comment: This variant is classified as Benign based on local population frequency. This variant was detected in 77% of patients studied by a panel of primary immunodeficiencies. Number of patients: 73. Only high quality variants are reported.

Genome-Nilou Lab
Classification: Benign for Hennekam lymphangiectasia-lymphedema syndrome 1. Last evaluated: 2021-07-14. Review status: criteria provided, single submitter. Criteria: ACMG Guidelines, 2015. Collection method: clinical testing. Allele origin: germline. Affected: no.

GeneDx
Classification: Benign. Last evaluated: 2018-11-10. Review status: criteria provided, single submitter. Criteria: GeneDx Variant Classification Process June 2021. Collection method: clinical testing. Allele origin: germline. Affected: yes.

Illumina Laboratory Services, Illumina
Classification: Benign for Hennekam lymphangiectasia-lymphedema syndrome 1. Last evaluated: 2018-01-13. Review status: criteria provided, single submitter. Criteria: ICSL Variant Classification Criteria 13 December 2019. Collection method: clinical testing. Allele origin: germline.
Comment: This variant was observed in the ICSL laboratory as part of a predisposition screen in an ostensibly healthy population. It had not been previously curated by ICSL or reported in the Human Gene Mutation Database (HGMD: prior to June 1st, 2018), and was therefore a candidate for classification through an automated scoring system. Utilizing variant allele frequency, disease prevalence and penetrance estimates, and inheritance mode, an automated score was calculated to assess if this variant is too frequent to cause the disease. Based on the score and internal cut-off values, a variant classified as benign is not then subjected to further curation. The score for this variant resulted in a classification of benign for this disease.

Laboratory for Molecular Medicine, Mass General Brigham Personalized Medicine
Classification: Benign. Last evaluated: 2016-03-29. Review status: criteria provided, single submitter. Criteria: LMM Criteria. Collection method: clinical testing. Allele origin: germline.
Comment: Variant identified in a genome or exome case(s) and assessed due to predicted null impact of the variant or pathogenic assertions in the literature or databases. Disclaimer: This variant has not undergone full assessment. The following are preliminary notes: 53% of total chromosomes in ExAC

Breakthrough Genomics
Classification: Benign. Review status: criteria provided, single submitter. Criteria: ACMG Guidelines, 2015. Collection method: not provided. Allele origin: germline. Inheritance: Autosomal recessive inheritance. Affected: yes.

PreventionGenetics, part of Exact Sciences
Classification: Benign. Review status: criteria provided, single submitter. Criteria: ACMG Guidelines, 2015. Collection method: clinical testing. Allele origin: germline.

Clinical Genetics, Academic Medical Center
Classification: Benign. Review status: no assertion criteria provided. Collection method: clinical testing. Allele origin: germline. Affected: yes. Study: VKGL Data-share Consensus. Not counted in ClinVar's aggregate classification.

Diagnostic Laboratory, Department of Genetics, University Medical Center Groningen
Classification: Benign for Hennekam lymphangiectasia-lymphedema syndrome 1. Review status: no assertion criteria provided. Collection method: clinical testing. Allele origin: germline. Affected: yes. Study: VKGL Data-share Consensus. Not counted in ClinVar's aggregate classification.

NM_133459.4(CCBE1):c.775+12A>G

Gene: CCBE1 (collagen and calcium binding EGF domains 1; minus strand). Cytogenetic location: 18q21.32.
Variant type: single nucleotide variant.
Coding change: c.775+12A>G on transcript NM_133459.4 (MANE Select); 12 bases into the intron after coding-DNA position 775, A replaced by G.
Molecular consequence: intron variant.
Genome position (GRCh38, 1-based): chr18:59,447,971, T>C on the plus strand (A>G on the coding strand, the complement: CCBE1 is on the minus strand). VCF-style: chr18-59447971-T-C. GRCh37 (hg19) VCF-style: chr18-57115203-T-C.
Identifiers: ClinVar variation 262355 (VCV000262355.27), dbSNP rs1893788, ClinGen allele CA8980345.
Genomic context (GRCh38, chr18:59,447,971, plus strand): 5'-CCCAGCAAATGTGAGCTTTTGGCAGGCTTTTTCTGTTGGTGATCACCCTCCTGTGCCCTC[T>C]TCCACACTCACCGGGAGGGCCCTGGCCCCCAGGCAGGCCAGGAGGTCCTGGAAGGTAGGT-3'